The following is an entry in ClinVar:

NM_178822.5(IGSF10):c.4109C>T (p.Thr1370Ile)

Gene: IGSF10 (immunoglobulin superfamily member 10; minus strand). Cytogenetic location: 3q25.1.
Variant type: single nucleotide variant.
Coding change: c.4109C>T on transcript NM_178822.5 (MANE Select); coding-DNA position 4109, C replaced by T.
Protein change: p.Thr1370Ile; replaces threonine 1370 with isoleucine.
Molecular consequence: missense variant.
Genome position (GRCh38, 1-based): chr3:151,445,872, G>A on the plus strand (C>T on the coding strand, the complement: IGSF10 is on the minus strand). VCF-style: chr3-151445872-G-A. GRCh37 (hg19) VCF-style: chr3-151163660-G-A.
Other names: c.4109C>T, p.Thr1370Ile (NM_001385060.1, NM_001385061.1, NM_001385062.1 and 1 more transcripts); short protein forms T1370I.
Identifiers: ClinVar variation 789720 (VCV000789720.13), dbSNP rs34933248, ClinGen allele CA2670028.

ClinVar aggregate classification (germline): Benign. Review status: criteria provided, multiple submitters, no conflicts (2 of 4 stars). 3 submissions from 3 submitters: Benign (2). 1 of the submissions does not count toward it. Last evaluated 2025-12-15.

Conditions:
IGSF10-related disorder. Also called: IGSF10-related condition.

Allele frequency attached by ClinVar (database versions not stated): gnomAD exomes 0.00072 and 0.00218; ExAC 0.00263; gnomAD 0.00794 and 0.00862; TOPMed 0.00941; 1000 Genomes Project 0.00958; ESP Exome Variant Server 0.01030; 1000 Genomes Project 30x 0.01046.
gnomAD v4.1: 2,333 of 1,614,214 alleles (0.14%); highest among the groups gnomAD compares: African/African-American, 2.7%; 28 homozygotes.

Submissions (3):

Labcorp Genetics (formerly Invitae), Labcorp
Classification: Benign. Last evaluated: 2025-12-15. Review status: criteria provided, single submitter. Criteria: Invitae Variant Classification Sherloc (09022015). Collection method: clinical testing. Allele origin: germline.

Breakthrough Genomics
Classification: Benign. Review status: criteria provided, single submitter. Criteria: ACMG Guidelines, 2015. Collection method: not provided. Allele origin: germline. Inheritance: Unknown mechanism. Affected: yes.

PreventionGenetics, part of Exact Sciences
Classification: Benign for IGSF10-related condition. Last evaluated: 2019-05-01. Review status: no assertion criteria provided. Collection method: clinical testing. Allele origin: germline. Not counted in ClinVar's aggregate classification.
Comment: This variant is classified as benign based on ACMG/AMP sequence variant interpretation guidelines (Richards et al. 2015 PMID: 25741868, with internal and published modifications).